The following is an entry in ClinVar:

ClinVar aggregate classification (germline): Likely benign. Review status: criteria provided, multiple submitters, no conflicts (2 of 4 stars). 2 submissions from 2 submitters: Likely benign (2). Last evaluated 2026-01-05.

Conditions:
CRIPT-related disorder. Also called: CRIPT-related condition.

Allele frequency attached by ClinVar (database versions not stated): gnomAD exomes 0.00011 and 0.00023; ExAC 0.00027; ESP Exome Variant Server 0.00069; gnomAD 0.00092 and 0.00098; 1000 Genomes Project 0.00120; 1000 Genomes Project 30x 0.00125; TOPMed 0.00128.
gnomAD v4.1: 311 of 1,574,276 alleles (0.02%); highest among the groups gnomAD compares: African/African-American, 0.32%; no homozygotes.

Submissions (2):

Labcorp Genetics (formerly Invitae), Labcorp
Classification: Likely benign. Last evaluated: 2026-01-05. Review status: criteria provided, single submitter. Criteria: Invitae Variant Classification Sherloc (09022015). Collection method: clinical testing. Allele origin: germline.

PreventionGenetics, part of Exact Sciences
Classification: Likely benign for CRIPT-related condition. Last evaluated: 2024-12-04. Review status: criteria provided, single submitter. Criteria: ACMG Guidelines, 2015. Collection method: clinical testing. Allele origin: germline.
Comment: This variant is classified as likely benign based on ACMG/AMP sequence variant interpretation guidelines (Richards et al. 2015 PMID: 25741868, with internal and published modifications).

NM_014171.6(CRIPT):c.241+7T>C

Gene: CRIPT (CXXC repeat containing interactor of PDZ3 domain; plus strand). Cytogenetic location: 2p21.
Variant type: single nucleotide variant.
Coding change: c.241+7T>C on transcript NM_014171.6 (MANE Select); 7 bases into the intron after coding-DNA position 241, T replaced by C.
Molecular consequence: intron variant.
Genome position (GRCh38, 1-based): chr2:46,623,874, T>C. VCF-style: chr2-46623874-T-C. GRCh37 (hg19) VCF-style: chr2-46851013-T-C.
Identifiers: ClinVar variation 729666 (VCV000729666.9), dbSNP rs192909311, ClinGen allele CA1646349.